The following is an entry in ClinVar:

NM_004415.4(DSP):c.3080T>C (p.Leu1027Pro)

Gene: DSP (desmoplakin; plus strand). Cytogenetic location: 6p24.3.
Variant type: single nucleotide variant.
Coding change: c.3080T>C on transcript NM_004415.4 (MANE Select); coding-DNA position 3080, T replaced by C.
Protein change: p.Leu1027Pro; replaces leucine 1027 with proline.
Molecular consequence: missense variant.
Genome position (GRCh38, 1-based): chr6:7,578,558, T>C. VCF-style: chr6-7578558-T-C. GRCh37 (hg19) VCF-style: chr6-7578791-T-C.
Other names: c.3080T>C, p.Leu1027Pro (NM_001008844.3, NM_001319034.2); short protein forms L1027P.
Identifiers: ClinVar variation 2107167 (VCV002107167.4), dbSNP rs2533920027, ClinGen allele CA362682797.

ClinVar aggregate classification (germline): Uncertain significance (1 of 4 stars; one submission).

Conditions:
Arrhythmogenic right ventricular dysplasia 8 (ARVD8). Also called: Arrhythmogenic Right Ventricular Dysplasia/Cardiomyopathy 8; ARRHYTHMOGENIC RIGHT VENTRICULAR DYSPLASIA, FAMILIAL, 8; ARRHYTHMOGENIC RIGHT VENTRICULAR CARDIOMYOPATHY 8. Identifiers: MedGen C1843896, MONDO:0011831, OMIM 607450.
Arrhythmogenic cardiomyopathy with wooly hair and keratoderma. Also called: Dilated cardiomyopathy with woolly hair and keratoderma; Arrhythmogenic cardiomyopathy with woolly hair and keratoderma; Carvajal syndrome; PALMOPLANTAR KERATODERMA WITH LEFT VENTRICULAR CARDIOMYOPATHY AND WOOLLY HAIR. Identifiers: Orphanet 65282, MedGen C1854063, MONDO:0011581, OMIM 605676.

Submission:

Labcorp Genetics (formerly Invitae), Labcorp
Classification: Uncertain significance for Arrhythmogenic cardiomyopathy with wooly hair and keratoderma; Arrhythmogenic right ventricular dysplasia 8. Last evaluated: 2022-03-05. Review status: criteria provided, single submitter. Criteria: Invitae Variant Classification Sherloc (09022015). Collection method: clinical testing. Allele origin: germline.
Comment: In summary, the available evidence is currently insufficient to determine the role of this variant in disease. Therefore, it has been classified as a Variant of Uncertain Significance. Algorithms developed to predict the effect of missense changes on protein structure and function (SIFT, PolyPhen-2, Align-GVGD) all suggest that this variant is likely to be disruptive. This variant has not been reported in the literature in individuals affected with DSP-related conditions. This variant is not present in population databases (gnomAD no frequency). This sequence change replaces leucine, which is neutral and non-polar, with proline, which is neutral and non-polar, at codon 1027 of the DSP protein (p.Leu1027Pro).